The following is an entry in ClinVar:

NM_020338.4(ZMIZ1):c.2586C>T (p.Ile862=)

Gene: ZMIZ1 (zinc finger MIZ-type containing 1; plus strand). Cytogenetic location: 10q22.3.
Variant type: single nucleotide variant.
Coding change: c.2586C>T on transcript NM_020338.4 (MANE Select); coding-DNA position 2586, C replaced by T.
Protein change: p.Ile862=; no amino-acid change (isoleucine 862 retained).
Molecular consequence: synonymous variant.
Genome position (GRCh38, 1-based): chr10:79,306,262, C>T. VCF-style: chr10-79306262-C-T. GRCh37 (hg19) VCF-style: chr10-81066019-C-T.
Identifiers: ClinVar variation 3025912 (VCV003025912.22), dbSNP rs200658837, ClinGen allele CA5573057.

ClinVar aggregate classification (germline): Likely benign (1 of 4 stars; one submission).

Allele frequency attached by ClinVar (database versions not stated): ExAC 0.00003; gnomAD 0.00003; gnomAD exomes 0.00005; TOPMed 0.00007; ESP Exome Variant Server 0.00015; 1000 Genomes Project 30x 0.00016; 1000 Genomes Project 0.00020.
gnomAD v4.1: 82 of 1,614,098 alleles (0.0051%); highest among the groups gnomAD compares: Admixed American, 0.0067%; no homozygotes.

Submission:

CeGaT Center for Human Genetics Tuebingen
Classification: Likely benign. Last evaluated: 2023-12-01. Review status: criteria provided, single submitter. Criteria: CeGaT Center For Human Genetics Tuebingen Variant Classification Criteria Version 2. Collection method: clinical testing. Allele origin: germline. Affected: yes. Observed: 1 variant allele.
Comment: ZMIZ1: BP4, BP7